The following is an entry in ClinVar:

ClinVar aggregate classification (germline): Uncertain significance (1 of 4 stars; one submission).

Conditions:
Inborn genetic diseases. Identifiers: MedGen C0950123, MeSH D030342.

Submission:

Ambry Genetics
Classification: Uncertain significance for Inborn genetic diseases. Last evaluated: 2026-02-21. Review status: criteria provided, single submitter. Criteria: Ambry Variant Classification Scheme 2023. Collection method: clinical testing. Allele origin: germline.
Comment: The p.V440F variant (also known as c.1318G>T), located in coding exon 10 of the BMPR2 gene, results from a G to T substitution at nucleotide position 1318. The valine at codon 440 is replaced by phenylalanine, an amino acid with highly similar properties. This amino acid position is conserved. In addition, this alteration is predicted to be deleterious by in silico analysis. Based on the available evidence, the clinical significance of this variant remains unclear.

NM_001204.7(BMPR2):c.1318G>T (p.Val440Phe)

Gene: BMPR2 (bone morphogenetic protein receptor type 2; plus strand). Cytogenetic location: 2q33.2.
Variant type: single nucleotide variant.
Coding change: c.1318G>T on transcript NM_001204.7 (MANE Select); coding-DNA position 1318, G replaced by T.
Protein change: p.Val440Phe; replaces valine 440 with phenylalanine.
Molecular consequence: missense variant.
Genome position (GRCh38, 1-based): chr2:202,542,352, G>T. VCF-style: chr2-202542352-G-T. GRCh37 (hg19) VCF-style: chr2-203407075-G-T.
Other names: short protein forms V440F.
Identifiers: ClinVar variation 4824934 (VCV004824934.1).
Genomic context (GRCh38, chr2:202,542,352, plus strand): 5'-CTTTTCTACAAATCCACAGGGGAATCCGTACCAGAGTACCAGATGGCTTTTCAGACAGAG[G>T]TTGGAAACCATCCCACTTTTGAGGATATGCAGGTTCTCGTGTCTAGGGAAAAACAGAGAC-3'
Protein context (NP_001195.2, residues 430-450): PEYQMAFQTE[Val440Phe]GNHPTFEDMQ